The following is an entry in ClinVar:

ClinVar aggregate classification (germline): Uncertain significance (1 of 4 stars; one submission).

Conditions:
Hereditary cancer-predisposing syndrome. Also called: Neoplastic Syndromes, Hereditary; Hereditary Cancer Syndrome; Tumor predisposition; Hereditary neoplastic syndrome. Identifiers: Orphanet 140162, MedGen C0027672, MeSH D009386, MONDO:0015356.

Submission:

Ambry Genetics
Classification: Uncertain significance for Hereditary cancer-predisposing syndrome. Last evaluated: 2024-12-20. Review status: criteria provided, single submitter. Criteria: Ambry Variant Classification Scheme 2023. Collection method: clinical testing. Allele origin: germline.
Comment: The p.S1403G variant (also known as c.4207A>G), located in coding exon 29 of the SMARCA4 gene, results from an A to G substitution at nucleotide position 4207. The serine at codon 1403 is replaced by glycine, an amino acid with similar properties. This amino acid position is conserved. In addition, this alteration is predicted to be tolerated by in silico analysis. Based on the available evidence, the clinical significance of this variant remains unclear.

NM_001387283.1(SMARCA4):c.4207A>G (p.Ser1403Gly)

Gene: SMARCA4 (SWI/SNF related BAF chromatin remodeling complex subunit ATPase 4; plus strand). Cytogenetic location: 19p13.2.
Variant type: single nucleotide variant.
Coding change: c.4207A>G on transcript NM_001387283.1 (MANE Plus Clinical); coding-DNA position 4207, A replaced by G.
Protein change: p.Ser1403Gly; replaces serine 1403 with glycine.
Molecular consequence: missense variant. On other transcripts: intron variant (7).
Genome position (GRCh38, 1-based): chr19:11,039,494, A>G. VCF-style: chr19-11039494-A-G. GRCh37 (hg19) VCF-style: chr19-11150170-A-G.
Other names: c.4171-1813A>G (NM_001128844.3, NM_003072.5); c.4207A>G, p.Ser1403Gly (NM_001128849.3); c.4108A>G, p.Ser1370Gly (NM_001411150.1); c.4072-1813A>G (NM_001128847.4, NM_001374457.1, NM_001128848.2); c.4072-1804A>G (NM_001128845.2, NM_001128846.2); short protein forms S1403G, S1370G.
Identifiers: ClinVar variation 3798883 (VCV003798883.1).